The following is an entry in ClinVar:

ClinVar aggregate classification (germline): Conflicting classifications of pathogenicity. Review status: criteria provided, conflicting classifications (1 of 4 stars). 4 submissions from 4 submitters: Uncertain significance (1); Likely benign (3). Last evaluated 2025-09-19.

Conditions:
Tuberous sclerosis 2 (TSC2). Identifiers: Orphanet 805, MedGen C1860707, MONDO:0013199, OMIM 613254.

Allele frequency attached by ClinVar (database versions not stated): TOPMed below 0.00001.
gnomAD v4.1: 1 of 1,605,992 alleles (0.000062%); highest among the groups gnomAD compares: Non-Finnish European, 0.000085%; no homozygotes.

Submissions (4):

Labcorp Genetics (formerly Invitae), Labcorp
Classification: Likely benign for Tuberous sclerosis 2. Last evaluated: 2025-09-19. Review status: criteria provided, single submitter. Criteria: Invitae Variant Classification Sherloc (09022015). Collection method: clinical testing. Allele origin: germline.

Genome-Nilou Lab
Classification: Likely benign for Tuberous sclerosis 2. Last evaluated: 2021-11-07. Review status: criteria provided, single submitter. Criteria: ACMG Guidelines, 2015. Collection method: clinical testing. Allele origin: germline. Affected: no.

GeneDx
Classification: Likely benign. Last evaluated: 2016-06-08. Review status: criteria provided, single submitter. Criteria: GeneDx Variant Classification (06012015). Collection method: clinical testing. Allele origin: germline. Affected: yes.
Comment: This variant is considered likely benign or benign based on one or more of the following criteria: it is a conservative change, it occurs at a poorly conserved position in the protein, it is predicted to be benign by multiple in silico algorithms, and/or has population frequency not consistent with disease.

Eurofins Ntd Llc (ga)
Classification: Uncertain significance. Last evaluated: 2015-03-13. Review status: criteria provided, single submitter. Criteria: EGL Classification Definitions 2015. Collection method: clinical testing. Allele origin: germline. Observed: 1 variant allele, 1 heterozygote.

NM_000548.5(TSC2):c.1258-10C>G

Gene: TSC2 (TSC complex subunit 2; plus strand). Cytogenetic location: 16p13.3.
Variant type: single nucleotide variant.
Coding change: c.1258-10C>G on transcript NM_000548.5 (MANE Select); 10 bases into the intron before coding-DNA position 1258, C replaced by G.
Molecular consequence: intron variant.
Genome position (GRCh38, 1-based): chr16:2,062,487, C>G. VCF-style: chr16-2062487-C-G. GRCh37 (hg19) VCF-style: chr16-2112488-C-G.
Other names: c.1258-10C>G (NM_001114382.3, NM_021055.3, NM_001370405.1 and 3 more transcripts); c.1147-10C>G (NM_001318827.2); c.658-10C>G (NM_001318831.2); c.1111-10C>G (NM_001318829.2); c.1291-10C>G (NM_001318832.2).
Identifiers: ClinVar variation 194182 (VCV000194182.17), dbSNP rs794727093, ClinGen allele CA014237.
Genomic context (GRCh38, chr16:2,062,487, plus strand): 5'-CCAGCAGCCCAGTGTGGAGAAGGAGAGCGCCGGAGGGGCAGAGGGGCAACACCGGCTCTT[C>G]TTTTGACAGGAGTCCTCCCTCCTGAACCTGATCTCCTATAGAGCGCAGTCCATCCACCCG-3'